The following is an entry in ClinVar:

NM_002474.3(MYH11):c.1220T>A (p.Val407Glu)

Gene: MYH11 (myosin heavy chain 11; minus strand). Cytogenetic location: 16p13.11.
Variant type: single nucleotide variant.
Coding change: c.1220T>A on transcript NM_002474.3 (MANE Select); coding-DNA position 1220, T replaced by A.
Protein change: p.Val407Glu; replaces valine 407 with glutamic acid.
Molecular consequence: missense variant.
Genome position (GRCh38, 1-based): chr16:15,760,568, A>T on the plus strand (T>A on the coding strand, the complement: MYH11 is on the minus strand). VCF-style: chr16-15760568-A-T. GRCh37 (hg19) VCF-style: chr16-15854425-A-T.
Other names: c.1241T>A, p.Val414Glu (NM_001040113.2, NM_001040114.2); c.1220T>A, p.Val407Glu (NM_022844.3); c.1241T>A (NM_001040113.1); short protein forms V407E, V414E.
Identifiers: ClinVar variation 3387243 (VCV003387243.2).

ClinVar aggregate classification (germline): Uncertain significance. Review status: criteria provided, multiple submitters, no conflicts (2 of 4 stars). 2 submissions from 2 submitters: Uncertain significance (2). Last evaluated 2026-05-03.

Conditions:
Familial thoracic aortic aneurysm and aortic dissection (TAAD). Also called: Thoracic aortic aneurysms and dissections. Identifiers: Orphanet 91387, MedGen C4707243, MONDO:0019625.
MYH11-related disorder. Also called: MYH11-related condition.

Submissions (2):

PreventionGenetics, part of Exact Sciences
Classification: Uncertain significance for MYH11-related condition. Last evaluated: 2026-05-03. Review status: criteria provided, single submitter. Criteria: ACMG Guidelines, 2015. Collection method: clinical testing. Allele origin: germline.
Comment: The MYH11 c.1241T>A variant is predicted to result in the amino acid substitution p.Val414Glu. To our knowledge, this variant has not been reported in the literature or in a large population database (gnomAD), indicating this variant is rare. At this time, the clinical significance of this variant is uncertain due to the absence of conclusive functional and genetic evidence.

All of Us Research Program, National Institutes of Health
Classification: Uncertain significance for Familial thoracic aortic aneurysm and aortic dissection. Last evaluated: 2024-05-09. Review status: criteria provided, single submitter. Criteria: ACMG Guidelines, 2015. Collection method: clinical testing. Allele origin: germline. Inheritance: Autosomal dominant inheritance. Observed: 1 variant allele, 1 heterozygote.
Comment: This study involves interpretation of variants in research participants for the purpose of population health screening. Participant phenotype was not available at the time of variant classification. Additional details can be found in publication PMID: 35346344, PMCID: PMC8962531